The following is an entry in ClinVar:

ClinVar aggregate classification (germline): Uncertain significance. Review status: criteria provided, multiple submitters, no conflicts (2 of 4 stars). 2 submissions from 2 submitters: Uncertain significance (2). Last evaluated 2024-05-14.

Conditions:
Brittle cornea syndrome 1 (BCS1). Also called: CORNEAL FRAGILITY, KERATOGLOBUS, BLUE SCLERAE, JOINT HYPEREXTENSIBILITY; EDS6B; FRAGILITAS OCULI WITH JOINT HYPEREXTENSIBILITY; Corneal fragility keratoglobus, blue sclerae AND joint hypermobility; DYSGENESIS MESODERMALIS CORNEAE ET SCLERAE. Identifiers: Orphanet 90354, MedGen C0268344, MONDO:0024543, OMIM 229200.
Cardiovascular phenotype. Identifiers: MedGen CN230736.

Allele frequency attached by ClinVar (database versions not stated): TOPMed below 0.00001; gnomAD 0.00001.
gnomAD v4.1: 18 of 1,542,288 alleles (0.0012%); highest among the groups gnomAD compares: Non-Finnish European, 0.0015%; no homozygotes.

Submissions (2):

Fulgent Genetics
Classification: Uncertain significance for Brittle cornea syndrome 1. Last evaluated: 2024-05-14. Review status: criteria provided, single submitter. Criteria: ACMG Guidelines, 2015. Collection method: clinical testing. Allele origin: germline.

Ambry Genetics
Classification: Uncertain significance for Cardiovascular phenotype. Last evaluated: 2022-05-02. Review status: criteria provided, single submitter. Criteria: Ambry Variant Classification Scheme 2023. Collection method: clinical testing. Allele origin: germline.
Comment: The p.S880T variant (also known as c.2639G>C), located in coding exon 1 of the ZNF469 gene, results from a G to C substitution at nucleotide position 2639. The serine at codon 880 is replaced by threonine, an amino acid with similar properties. This amino acid position is conserved. In addition, this alteration is predicted to be tolerated by in silico analysis. Since supporting evidence is limited at this time, the clinical significance of this alteration remains unclear.

NM_001367624.2(ZNF469):c.2639G>C (p.Ser880Thr)

Gene: ZNF469 (zinc finger protein 469; plus strand). Cytogenetic location: 16q24.2.
Variant type: single nucleotide variant.
Coding change: c.2639G>C on transcript NM_001367624.2 (MANE Select); coding-DNA position 2639, G replaced by C.
Protein change: p.Ser880Thr; replaces serine 880 with threonine.
Molecular consequence: missense variant.
Genome position (GRCh38, 1-based): chr16:88,430,109, G>C. VCF-style: chr16-88430109-G-C. GRCh37 (hg19) VCF-style: chr16-88496517-G-C.
Other names: NM_001127464.1:c.2639G>C; short protein forms S880T.
Identifiers: ClinVar variation 1794158 (VCV001794158.3), dbSNP rs1906031362, ClinGen allele CA397074131.